The following is an entry in ClinVar:

NM_001371596.2(MFSD8):c.809T>C (p.Val270Ala)

Gene: MFSD8 (major facilitator superfamily domain containing 8; minus strand). Cytogenetic location: 4q28.2.
Variant type: single nucleotide variant.
Coding change: c.809T>C on transcript NM_001371596.2 (MANE Select); coding-DNA position 809, T replaced by C.
Protein change: p.Val270Ala; replaces valine 270 with alanine.
Molecular consequence: missense variant.
Genome position (GRCh38, 1-based): chr4:127,933,039, A>G on the plus strand (T>C on the coding strand, the complement: MFSD8 is on the minus strand). VCF-style: chr4-127933039-A-G. GRCh37 (hg19) VCF-style: chr4-128854194-A-G.
Other names: c.608T>C, p.Val203Ala (NM_001363520.3); c.494T>C, p.Val165Ala (NM_001363521.3); c.674T>C, p.Val225Ala (NM_001371590.2); c.809T>C, p.Val270Ala (NM_001371591.2, NM_152778.4); c.815T>C, p.Val272Ala (NM_001371592.2); c.695T>C, p.Val232Ala (NM_001371593.2, NM_001410766.1); c.662T>C, p.Val221Ala (NM_001371594.2); c.527T>C, p.Val176Ala (NM_001371595.1); and 1 more; short protein forms V270A, V203A, V165A, V176A, V221A, V225A, V232A, V272A.
Identifiers: ClinVar variation 533374 (VCV000533374.5), dbSNP rs200284184, ClinGen allele CA105679841.

ClinVar aggregate classification (germline): Uncertain significance (1 of 4 stars; one submission).

Conditions:
Neuronal ceroid lipofuscinosis 7 (CLN7). Also called: MFSD8-Related Neuronal Ceroid-Lipofuscinosis. Identifiers: Orphanet 168491, Orphanet 228366, MedGen C1838571, MONDO:0012588, OMIM 610951.

Allele frequency attached by ClinVar (database versions not stated): gnomAD exomes below 0.00001 and 0.00001; gnomAD 0.00001; 1000 Genomes Project 0.00020; 1000 Genomes Project 30x 0.00031.
gnomAD v4.1: 7 of 1,613,906 alleles (0.00043%); highest among the groups gnomAD compares: Non-Finnish European, 0.00059%; no homozygotes.

Submission:

Labcorp Genetics (formerly Invitae), Labcorp
Classification: Uncertain significance for Neuronal ceroid lipofuscinosis 7. Last evaluated: 2021-09-01. Review status: criteria provided, single submitter. Criteria: Invitae Variant Classification Sherloc (09022015). Collection method: clinical testing. Allele origin: germline.
Comment: This sequence change replaces valine with alanine at codon 270 of the MFSD8 protein (p.Val270Ala). The valine residue is moderately conserved and there is a small physicochemical difference between valine and alanine. This variant is not present in population databases (ExAC no frequency). This variant has not been reported in the literature in individuals affected with MFSD8-related conditions. ClinVar contains an entry for this variant (Variation ID: 533374). Algorithms developed to predict the effect of missense changes on protein structure and function (SIFT, PolyPhen-2, Align-GVGD) all suggest that this variant is likely to be tolerated. In summary, the available evidence is currently insufficient to determine the role of this variant in disease. Therefore, it has been classified as a Variant of Uncertain Significance.